The following is an entry in ClinVar:

ClinVar aggregate classification (germline): Uncertain significance (1 of 4 stars; one submission).

Conditions:
Arrhythmogenic right ventricular dysplasia 12. Also called: ARRHYTHMOGENIC RIGHT VENTRICULAR DYSPLASIA, FAMILIAL, 12. Identifiers: MedGen C1969081, MONDO:0012684, OMIM 611528.
Naxos disease (NXD). Also called: PALMOPLANTAR KERATODERMA WITH ARRHYTHMOGENIC RIGHT VENTRICULAR CARDIOMYOPATHY AND WOOLLY HAIR; WOOLLY HAIR, PALMOPLANTAR KERATODERMA, AND CARDIAC ABNORMALITIES; KERATOSIS PALMOPLANTARIS WITH ARRHYTHMOGENIC CARDIOMYOPATHY; MAL DE NAXOS; CARDIOMYOPATHY, ARRHYTHMOGENIC RIGHT VENTRICULAR, WITH SKIN, HAIR, AND NAIL ABNORMALITIES. Identifiers: Orphanet 34217, MedGen C1832600, MONDO:0011017, OMIM 601214.

Allele frequency attached by ClinVar (database versions not stated): gnomAD exomes below 0.00001; gnomAD 0.00001.
gnomAD v4.1: 3 of 1,609,232 alleles (0.00019%); highest among the groups gnomAD compares: South Asian, 0.0022%; no homozygotes.

Submission:

Labcorp Genetics (formerly Invitae), Labcorp
Classification: Uncertain significance for Arrhythmogenic right ventricular dysplasia 12; Naxos disease. Last evaluated: 2022-08-31. Review status: criteria provided, single submitter. Criteria: Invitae Variant Classification Sherloc (09022015). Collection method: clinical testing. Allele origin: germline.
Comment: This sequence change replaces threonine, which is neutral and polar, with isoleucine, which is neutral and non-polar, at codon 700 of the JUP protein (p.Thr700Ile). This variant is not present in population databases (gnomAD no frequency). This variant has not been reported in the literature in individuals affected with JUP-related conditions. ClinVar contains an entry for this variant (Variation ID: 1408671). Algorithms developed to predict the effect of missense changes on protein structure and function (SIFT, PolyPhen-2, Align-GVGD) all suggest that this variant is likely to be tolerated. In summary, the available evidence is currently insufficient to determine the role of this variant in disease. Therefore, it has been classified as a Variant of Uncertain Significance.

NM_002230.4(JUP):c.2099C>T (p.Thr700Ile)

Gene: JUP (junction plakoglobin; minus strand). Cytogenetic location: 17q21.2.
Variant type: single nucleotide variant.
Coding change: c.2099C>T on transcript NM_002230.4 (MANE Select); coding-DNA position 2099, C replaced by T.
Protein change: p.Thr700Ile; replaces threonine 700 with isoleucine.
Molecular consequence: missense variant.
Genome position (GRCh38, 1-based): chr17:41,755,883, G>A on the plus strand (C>T on the coding strand, the complement: JUP is on the minus strand). VCF-style: chr17-41755883-G-A. GRCh37 (hg19) VCF-style: chr17-39912135-G-A.
Other names: c.2099C>T, p.Thr700Ile (NM_001352773.2, NM_001352774.2, NM_001352775.2 and 3 more transcripts); short protein forms T700I.
Identifiers: ClinVar variation 1408671 (VCV001408671.5), dbSNP rs1913627808, ClinGen allele CA399490769.